The following is an entry in ClinVar:

NM_024675.4(PALB2):c.1968A>T (p.Pro656=)

Gene: PALB2 (partner and localizer of BRCA2; minus strand). Cytogenetic location: 16p12.2.
Variant type: single nucleotide variant.
Coding change: c.1968A>T on transcript NM_024675.4 (MANE Select); coding-DNA position 1968, A replaced by T.
Protein change: p.Pro656=; no amino-acid change (proline 656 retained).
Molecular consequence: synonymous variant.
Genome position (GRCh38, 1-based): chr16:23,630,186, T>A on the plus strand (A>T on the coding strand, the complement: PALB2 is on the minus strand). VCF-style: chr16-23630186-T-A. GRCh37 (hg19) VCF-style: chr16-23641507-T-A.
Identifiers: ClinVar variation 511458 (VCV000511458.6), dbSNP rs756275403, ClinGen allele CA7963640.

ClinVar aggregate classification (germline): Benign/Likely benign. Review status: criteria provided, multiple submitters, no conflicts (2 of 4 stars). 4 submissions from 4 submitters: Benign (1); Likely benign (3). Last evaluated 2025-01-15.

Conditions:
Familial cancer of breast. Also called: hereditary breast carcinoma; BREAST CANCER, FAMILIAL; Hereditary breast cancer. Identifiers: Orphanet 227535, MedGen C0346153, MONDO:0016419, OMIM 114480. Disease mechanism: loss of function.
Hereditary cancer-predisposing syndrome. Also called: Hereditary neoplastic syndrome; Hereditary Cancer Syndrome; Neoplastic Syndromes, Hereditary; Tumor predisposition. Identifiers: Orphanet 140162, MedGen C0027672, MeSH D009386, MONDO:0015356.

Allele frequency attached by ClinVar (database versions not stated): gnomAD exomes below 0.00001; ExAC 0.00001.
gnomAD v4.1: 1 of 1,614,208 alleles (0.000062%); highest among the groups gnomAD compares: East Asian, 0.0022%; no homozygotes.

Submissions (4):

Myriad Genetics, Inc.
Classification: Benign for Familial cancer of breast. Last evaluated: 2025-01-15. Review status: criteria provided, single submitter. Criteria: Myriad Autosomal Dominant, Autosomal Recessive and X-Linked Classification Criteria (2023). Collection method: clinical testing. Allele origin: unknown.
Comment: This variant is considered benign. This variant is a silent/synonymous amino acid change and it is not expected to impact splicing.

Ambry Genetics
Classification: Likely benign for Hereditary cancer-predisposing syndrome. Last evaluated: 2024-11-09. Review status: criteria provided, single submitter. Criteria: Ambry Variant Classification Scheme 2023. Collection method: clinical testing. Allele origin: germline.

Labcorp Genetics (formerly Invitae), Labcorp
Classification: Likely benign for Familial cancer of breast. Last evaluated: 2023-06-24. Review status: criteria provided, single submitter. Criteria: Invitae Variant Classification Sherloc (09022015). Collection method: clinical testing. Allele origin: germline.

GeneDx
Classification: Likely benign. Last evaluated: 2017-08-14. Review status: criteria provided, single submitter. Criteria: GeneDx Variant Classification (06012015). Collection method: clinical testing. Allele origin: germline. Affected: yes.
Comment: This variant is considered likely benign or benign based on one or more of the following criteria: it is a conservative change, it occurs at a poorly conserved position in the protein, it is predicted to be benign by multiple in silico algorithms, and/or has population frequency not consistent with disease.